The following is an entry in ClinVar:

ClinVar aggregate classification (germline): Uncertain significance (1 of 4 stars; one submission).

gnomAD v4.1: 7 of 1,614,138 alleles (0.00043%); highest among the groups gnomAD compares: East Asian, 0.0022%; no homozygotes.

Submission:

Labcorp Genetics (formerly Invitae), Labcorp
Classification: Uncertain significance. Last evaluated: 2024-05-01. Review status: criteria provided, single submitter. Criteria: Invitae Variant Classification Sherloc (09022015). Collection method: clinical testing. Allele origin: germline.
Comment: This sequence change replaces histidine, which is basic and polar, with arginine, which is basic and polar, at codon 443 of the ESCO2 protein (p.His443Arg). This variant is present in population databases (no rsID available, gnomAD 0.0009%). This variant has not been reported in the literature in individuals affected with ESCO2-related conditions. Algorithms developed to predict the effect of missense changes on protein structure and function output the following: SIFT: "Not Available"; PolyPhen-2: "Benign"; Align-GVGD: "Not Available". The arginine amino acid residue is found in multiple mammalian species, which suggests that this missense change does not adversely affect protein function. In summary, the available evidence is currently insufficient to determine the role of this variant in disease. Therefore, it has been classified as a Variant of Uncertain Significance.

NM_001017420.3(ESCO2):c.1328A>G (p.His443Arg)

Gene: ESCO2 (establishment of sister chromatid cohesion N-acetyltransferase 2; plus strand). Cytogenetic location: 8p21.1.
Variant type: single nucleotide variant.
Coding change: c.1328A>G on transcript NM_001017420.3 (MANE Select); coding-DNA position 1328, A replaced by G.
Protein change: p.His443Arg; replaces histidine 443 with arginine.
Molecular consequence: missense variant.
Genome position (GRCh38, 1-based): chr8:27,792,027, A>G. VCF-style: chr8-27792027-A-G. GRCh37 (hg19) VCF-style: chr8-27649544-A-G.
Other names: short protein forms H443R.
Identifiers: ClinVar variation 3701716 (VCV003701716.2).
Genomic context (GRCh38, chr8:27,792,027, plus strand): 5'-GGAAGAAAGAACGTGTAGTAGCAGAGTTTTGGGATGGGAAAATCGTGTTGGTTCTGCCAC[A>G]TGATCCAAGCTTTGCTATCAAAAAGGTATGGAACATTATCTTTTTATCTCTTGCCTTTCC-3'
Protein context (NP_001017420.1, residues 433-453): WDGKIVLVLP[His443Arg]DPSFAIKKVE